The following is an entry in ClinVar:

ClinVar aggregate classification (germline): Pathogenic (1 of 4 stars; one submission).

Conditions:
Complete androgen insensitivity syndrome. Also called: Complete Androgen Insensitivity Syndrome (CAIS). Identifiers: Orphanet 99429, MedGen C0936016, MONDO:0021023.

Submission:

Division of Genetic & Genomic Pathology, Hong Kong Children's Hospital
Classification: Pathogenic for Complete androgen insensitivity syndrome. Last evaluated: 2024-09-16. Review status: criteria provided, single submitter. Criteria: ACMG Guidelines, 2015. Collection method: clinical testing. Allele origin: germline. Affected: yes. Observed: 1 variant allele.
Comment: The androgen receptor AR c.1095C>A variant in exon 1 is a truncating variant where loss of function is a known mechanism of disease. This variant is absent from large scale population databases (gnomAD v2.1.1 and v4.1.0). This variant is absent from clinical databases such as ClinVar and Human Genetic Mutation Database (HGMD Pro 2024.2), but multiple downstream truncating variants in the AR gene have been reported to be pathogenic for androgen insensitivity syndrome.

NM_000044.6(AR):c.1095C>A (p.Tyr365Ter)

Gene: AR (androgen receptor; plus strand). Cytogenetic location: Xq12.
Variant type: single nucleotide variant.
Coding change: c.1095C>A on transcript NM_000044.6 (MANE Select); coding-DNA position 1095, C replaced by A.
Protein change: p.Tyr365Ter; replaces tyrosine 365 with a stop codon.
Molecular consequence: nonsense. On other transcripts: 5 prime UTR variant (1).
Genome position (GRCh38, 1-based): chrX:67,546,241, C>A. VCF-style: chrX-67546241-C-A. GRCh37 (hg19) VCF-style: chrX-66766083-C-A.
Other names: c.-689C>A (NM_001011645.3); c.1095C>A, p.Tyr365Ter (NM_001348061.1, NM_001348063.1, NM_001348064.1); short protein forms Y365*.
Identifiers: ClinVar variation 3340490 (VCV003340490.2).